The following is an entry in ClinVar:

ClinVar aggregate classification (germline): Pathogenic (1 of 4 stars; one submission).

Submission:

Quest Diagnostics Nichols Institute San Juan Capistrano
Classification: Pathogenic. Last evaluated: 2024-05-20. Review status: criteria provided, single submitter. Criteria: ACMG/ClinGen CNV Guidelines, 2019. Collection method: clinical testing. Allele origin: unknown.
Comment: This loss involves at least 27 protein-coding genes, including SON (OMIM 182465). Haploinsufficiency of SON (HGNC:11183) is associated with Zhu-Tokita-Takenouchi-Kim syndrome (ZTTK; Eid 2022, El-Said 2023, Kim 2016, Kushary 2021, Tokita 2016, Zhu 2015). Overlapping deletions similar to and smaller than the current interval have been reported in individuals with features of ZTTK (Dingemans 2022, Eid 2022, Fukai 2014, Izumi 2012, Kim 2016). There are no similar copy number losses of this region in the general populations of the Database of Genomic Variants. Therefore, based on gene content and current medical literature, this CNV is classified as pathogenic. References: Dingemans et al., Eur J Hum Genet. 2022 Mar;30(3):271-281. PMID: 34521999; Eid et al., Child Neurol Open. 2022 Nov 9:9:2329048X221119658. PMID: 36387043; El-Said et al., Neurol Genet. 2023 May 8;9(3):e200072. PMID: 37168776; Fukai et al., Am J Med Genet A. 2014 Apr;164A(4):1021-8. PMID: 24458657; Izumi et al., Am J Med Genet A. 2012 Jul;158A(7):1535-41. PMID: 22614953; Kim et al., Am J Hum Genet. 2016 Sep 1;99(3):711-719. PMID: 27545680; Kushary et al., Am J Med Genet A. 2021 Dec;185(12):3740-3753. PMID: 34331327; Tokita et al., Am J Hum Genet. 2016 Sep 1;99(3):720-727. PMID: 27545676; Zhu et al., Genet Med. 2015 Oct;17(10):774-81. PMID: 25590979

GRCh37/hg19 21q22.11(chr21:32925452-35162911)x1

Genes: CFAP298 (cilia and flagella associated protein 298; minus strand), CRYZL1 (crystallin zeta like 1; minus strand), DNAJC28 (DnaJ heat shock protein family (Hsp40) member C28; minus strand), DONSON (DNA replication fork stabilization factor DONSON; minus strand), EPCIP (exosomal polycystin 1 interacting protein; minus strand) and 21 more. Cytogenetic location: 21q22.11.
Variant type: copy number loss.
Change: copy number 1 (one copy instead of two) of chr21:32,925,452-35,162,911 (2.24 Mb, GRCh37 coordinates, 1-based), cytogenetic band 21q22.11.
Identifiers: ClinVar variation 3391941 (VCV003391941.1).